The following is an entry in ClinVar:

NM_021098.3(CACNA1H):c.5934C>G (p.Ser1978=)

Gene: CACNA1H (calcium voltage-gated channel subunit alpha1 H; plus strand). Cytogenetic location: 16p13.3.
Variant type: single nucleotide variant.
Coding change: c.5934C>G on transcript NM_021098.3 (MANE Select); coding-DNA position 5934, C replaced by G.
Protein change: p.Ser1978=; no amino-acid change (serine 1978 retained).
Molecular consequence: synonymous variant.
Genome position (GRCh38, 1-based): chr16:1,219,016, C>G. VCF-style: chr16-1219016-C-G. GRCh37 (hg19) VCF-style: chr16-1269016-C-G.
Other names: c.5916C>G, p.Ser1972= (NM_001005407.2).
Identifiers: ClinVar variation 2938296 (VCV002938296.3), dbSNP rs896695448, ClinGen allele CA492887957.
Genomic context (GRCh38, chr16:1,219,016, plus strand): 5'-CTTCCCTGCCCCAGGCTCCGTTGCCTCTGTGCACTCTCCGCCCGCAGAGTCCTGTGCCTC[C>G]CTCCAGATCCCATTGGCTGTGTCGTCCCCAGCCAGGAGCGGCGAGCCCCTCCACGCCCTG-3'
Protein context (NP_066921.2, residues 1968-1988): VHSPPAESCA[Ser1978=]LQIPLAVSSP

ClinVar aggregate classification (germline): Uncertain significance (1 of 4 stars; one submission).

Conditions:
Hyperaldosteronism, familial, type IV (HALD4). Also called: FH IV; ALDOSTERONISM, PRIMARY, AND HYPERTENSION. Identifiers: Orphanet 642671, MedGen C4310756, MONDO:0014875, OMIM 617027.
Idiopathic generalized epilepsy. Also called: EIG; Generalised epilepsy. Identifiers: MedGen C0270850, MONDO:0005579, OMIM 600669.

gnomAD v4.1: 1 of 1,550,258 alleles (0.000065%); highest among the groups gnomAD compares: Non-Finnish European, 0.000087%; no homozygotes.

Submission:

Labcorp Genetics (formerly Invitae), Labcorp
Classification: Uncertain significance for Idiopathic generalized epilepsy; Hyperaldosteronism, familial, type IV. Last evaluated: 2023-08-17. Review status: criteria provided, single submitter. Criteria: Invitae Variant Classification Sherloc (09022015). Collection method: clinical testing. Allele origin: germline.
Comment: In summary, the available evidence is currently insufficient to determine the role of this variant in disease. Therefore, it has been classified as a Variant of Uncertain Significance. Algorithms developed to predict the effect of sequence changes on RNA splicing suggest that this variant may disrupt the consensus splice site. This variant has not been reported in the literature in individuals affected with CACNA1H-related conditions. This variant is not present in population databases (gnomAD no frequency). This sequence change affects codon 1978 of the CACNA1H mRNA. It is a 'silent' change, meaning that it does not change the encoded amino acid sequence of the CACNA1H protein.